The following is an entry in ClinVar:

NM_018010.4(IFT57):c.628G>A (p.Val210Ile)

Gene: IFT57 (intraflagellar transport 57; minus strand). Cytogenetic location: 3q13.13.
Variant type: single nucleotide variant.
Coding change: c.628G>A on transcript NM_018010.4 (MANE Select); coding-DNA position 628, G replaced by A.
Protein change: p.Val210Ile; replaces valine 210 with isoleucine.
Molecular consequence: missense variant.
Genome position (GRCh38, 1-based): chr3:108,206,654, C>T on the plus strand (G>A on the coding strand, the complement: IFT57 is on the minus strand). VCF-style: chr3-108206654-C-T. GRCh37 (hg19) VCF-style: chr3-107925501-C-T.
Other names: short protein forms V210I.
Identifiers: ClinVar variation 2542783 (VCV002542783.5), dbSNP rs553037390, ClinGen allele CA2526649.

ClinVar aggregate classification (germline): Uncertain significance. Review status: criteria provided, multiple submitters, no conflicts (2 of 4 stars). 2 submissions from 2 submitters: Uncertain significance (2). Last evaluated 2025-03-10.

Allele frequency attached by ClinVar (database versions not stated): gnomAD 0.00002; 1000 Genomes Project 30x 0.00016; ExAC 0.00003; 1000 Genomes Project 0.00020.
gnomAD v4.1: 10 of 1,398,132 alleles (0.00072%); highest among the groups gnomAD compares: Middle Eastern, 0.019%; no homozygotes.

Submissions (2):

Labcorp Genetics (formerly Invitae), Labcorp
Classification: Uncertain significance. Last evaluated: 2025-03-10. Review status: criteria provided, single submitter. Criteria: Invitae Variant Classification Sherloc (09022015). Collection method: clinical testing. Allele origin: germline.
Comment: This sequence change replaces valine, which is neutral and non-polar, with isoleucine, which is neutral and non-polar, at codon 210 of the IFT57 protein (p.Val210Ile). This variant is present in population databases (rs553037390, gnomAD 0.02%). This variant has not been reported in the literature in individuals affected with IFT57-related conditions. ClinVar contains an entry for this variant (Variation ID: 2542783). An algorithm developed to predict the effect of missense changes on protein structure and function outputs the following: PolyPhen-2: "Benign". The isoleucine amino acid residue is found in multiple mammalian species, which suggests that this missense change does not adversely affect protein function. In summary, the available evidence is currently insufficient to determine the role of this variant in disease. Therefore, it has been classified as a Variant of Uncertain Significance.

Ambry Genetics
Classification: Uncertain significance. Last evaluated: 2023-05-03. Review status: criteria provided, single submitter. Criteria: Ambry Variant Classification Scheme 2023. Collection method: clinical testing. Allele origin: germline.